The following is an entry in ClinVar:

ClinVar aggregate classification (germline): Likely pathogenic (1 of 4 stars; one submission).

Conditions:
Dyskeratosis congenita, autosomal dominant 2. Identifiers: MedGen C3151443, MONDO:0013521, OMIM 613989.
Idiopathic Pulmonary Fibrosis. Also called: Idiopathic fibrosing alveolitis, chronic form; idiopathic fibrosing alveolitis. Identifiers: Orphanet 2032, MedGen C1800706, MeSH D054990, MONDO:0800504.

Submission:

Labcorp Genetics (formerly Invitae), Labcorp
Classification: Likely pathogenic for Dyskeratosis congenita, autosomal dominant 2; Idiopathic Pulmonary Fibrosis. Last evaluated: 2024-04-22. Review status: criteria provided, single submitter. Criteria: Invitae Variant Classification Sherloc (09022015). Collection method: clinical testing. Allele origin: germline.
Comment: This sequence change replaces arginine, which is basic and polar, with leucine, which is neutral and non-polar, at codon 865 of the TERT protein (p.Arg865Leu). This variant is not present in population databases (gnomAD no frequency). This variant has not been reported in the literature in individuals affected with TERT-related conditions. Advanced modeling of protein sequence and biophysical properties (such as structural, functional, and spatial information, amino acid conservation, physicochemical variation, residue mobility, and thermodynamic stability) performed at Invitae indicates that this missense variant is expected to disrupt TERT protein function with a positive predictive value of 95%. This variant disrupts the p.Arg865 amino acid residue in TERT. Other variant(s) that disrupt this residue have been determined to be pathogenic (PMID: 17460043, 22853774, 23901009, 30523342). This suggests that this residue is clinically significant, and that variants that disrupt this residue are likely to be disease-causing. In summary, the currently available evidence indicates that the variant is pathogenic, but additional data are needed to prove that conclusively. Therefore, this variant has been classified as Likely Pathogenic.

Literature cited by the submitters: PubMed 17460043; PubMed 22853774; PubMed 23901009; PubMed 30523342.

NM_198253.3(TERT):c.2594G>T (p.Arg865Leu)

Gene: TERT (telomerase reverse transcriptase; minus strand). Cytogenetic location: 5p15.33.
Variant type: single nucleotide variant.
Coding change: c.2594G>T on transcript NM_198253.3 (MANE Select); coding-DNA position 2594, G replaced by T.
Protein change: p.Arg865Leu; replaces arginine 865 with leucine.
Molecular consequence: missense variant. On other transcripts: non-coding transcript variant (2).
Genome position (GRCh38, 1-based): chr5:1,266,524, C>A on the plus strand (G>T on the coding strand, the complement: TERT is on the minus strand). VCF-style: chr5-1266524-C-A. GRCh37 (hg19) VCF-style: chr5-1266639-C-A.
Other names: c.2594G>T, p.Arg865Leu (NM_001193376.3); short protein forms R865L.
Identifiers: ClinVar variation 3761009 (VCV003761009.2).